The following is an entry in ClinVar:

NM_000526.5(KRT14):c.220AGC[4] (p.Ser78_Ser79del)

Gene: KRT14 (keratin 14; minus strand). Cytogenetic location: 17q21.2.
Variant type: Microsatellite.
Coding change: c.220AGC[4] on transcript NM_000526.5 (MANE Select); four copies in a row of the 3-base unit AGC starting at c.220; the reference has six copies in a row; two copies, 6 bases deleted; also written c.232_237del.
Protein change: p.Ser78_Ser79del.
Molecular consequence: inframe deletion.
Genome position (GRCh38, 1-based): chr17:41,586,598-41,586,603, GCTGCT deleted on the plus strand (AGCAGC on the coding strand, the reverse complement: KRT14 is on the minus strand); deleting any 6 consecutive bases within chr17:41,586,598-41,586,616 gives the same sequence; the position shown is the placement nearest the transcript's 3' end. VCF-style (leftmost placement, unchanged base first): chr17-41586597-AGCTGCT-A. GRCh37 (hg19) VCF-style: chr17-39742849-AGCTGCT-A.
Other names: c.232_237del (NM_000526.4); c.232_237del6 (NM_000526.4).
Identifiers: ClinVar variation 513114 (VCV000513114.11), dbSNP rs747557834, ClinGen allele CA8562769.
Genomic context (GRCh38, chr17:41,586,597, plus strand): 5'-AGCCACCACCCAAGCCAGCACCAAGGCCACCACCATATCCTCCCCCAAAGCCACTACCAA[AGCTGCT>A]GCTGCTGCTGCTGAAGCCACCGCCATAGCCGCCCCCCAGCCCGCAGGCTCCCCCAGAGGA-3'

ClinVar aggregate classification (germline): Likely benign. Review status: criteria provided, multiple submitters, no conflicts (2 of 4 stars). 3 submissions from 3 submitters: Likely benign (2). 1 of the submissions does not count toward it. Last evaluated 2025-12-16.

Conditions:
KRT14-related disorder. Also called: KRT14-related condition.

Submissions (3):

Labcorp Genetics (formerly Invitae), Labcorp
Classification: Likely benign. Last evaluated: 2025-12-16. Review status: criteria provided, single submitter. Criteria: Invitae Variant Classification Sherloc (09022015). Collection method: clinical testing. Allele origin: germline.

GeneDx
Classification: Likely benign. Last evaluated: 2017-10-27. Review status: criteria provided, single submitter. Criteria: GeneDx Variant Classification (06012015). Collection method: clinical testing. Allele origin: germline. Affected: yes.
Comment: This variant is considered likely benign or benign based on one or more of the following criteria: it is a conservative change, it occurs at a poorly conserved position in the protein, it is predicted to be benign by multiple in silico algorithms, and/or has population frequency not consistent with disease.

PreventionGenetics, part of Exact Sciences
Classification: Likely benign for KRT14-related condition. Last evaluated: 2019-05-01. Review status: no assertion criteria provided. Collection method: clinical testing. Allele origin: germline. Not counted in ClinVar's aggregate classification.
Comment: This variant is classified as likely benign based on ACMG/AMP sequence variant interpretation guidelines (Richards et al. 2015 PMID: 25741868, with internal and published modifications).